The following is an entry in ClinVar:

ClinVar aggregate classification (germline): Uncertain significance (1 of 4 stars; one submission).

Conditions:
Neurofibromatosis, type 1 (NF1). Also called: VON RECKLINGHAUSEN DISEASE; Peripheral type neurofibromatosis; NEUROFIBROMATOSIS, TYPE I, SOMATIC; Neurofibromatosis, type I. Identifiers: Orphanet 636, MedGen C0027831, MONDO:0018975, OMIM 162200. Disease mechanism: loss of function.

Submission:

Labcorp Genetics (formerly Invitae), Labcorp
Classification: Uncertain significance for Neurofibromatosis, type 1. Last evaluated: 2024-03-09. Review status: criteria provided, single submitter. Criteria: Invitae Variant Classification Sherloc (09022015). Collection method: clinical testing. Allele origin: germline.
Comment: This sequence change replaces threonine, which is neutral and polar, with lysine, which is basic and polar, at codon 1467 of the NF1 protein (p.Thr1467Lys). This variant is not present in population databases (gnomAD no frequency). This variant has not been reported in the literature in individuals affected with NF1-related conditions. Advanced modeling of protein sequence and biophysical properties (such as structural, functional, and spatial information, amino acid conservation, physicochemical variation, residue mobility, and thermodynamic stability) has been performed at Invitae for this missense variant, however the output from this modeling did not meet the statistical confidence thresholds required to predict the impact of this variant on NF1 protein function. In summary, the available evidence is currently insufficient to determine the role of this variant in disease. Therefore, it has been classified as a Variant of Uncertain Significance.

NM_001042492.3(NF1):c.4463C>A (p.Thr1488Lys)

Gene: NF1 (neurofibromin 1; plus strand). Cytogenetic location: 17q11.2.
Variant type: single nucleotide variant.
Coding change: c.4463C>A on transcript NM_001042492.3 (MANE Select); coding-DNA position 4463, C replaced by A.
Protein change: p.Thr1488Lys; replaces threonine 1488 with lysine.
Molecular consequence: missense variant.
Genome position (GRCh38, 1-based): chr17:31,260,401, C>A. VCF-style: chr17-31260401-C-A. GRCh37 (hg19) VCF-style: chr17-29587419-C-A.
Other names: c.4400C>A, p.Thr1467Lys (NM_000267.4); short protein forms T1488K, T1467K.
Identifiers: ClinVar variation 3634554 (VCV003634554.2).
Genomic context (GRCh38, chr17:31,260,401, plus strand): 5'-AAATTCTAATGACTTTGCATTTTTGAAGGTTTTTCCTTGATATAGCATCTGATTGTCCTA[C>A]AAGTGATGCAGTAAATCATAGTCTTTCCTTCATAAGTGACGGCAATGTGCTTGCTTTACA-3'
Protein context (NP_001035957.1, residues 1478-1498): FFLDIASDCP[Thr1488Lys]SDAVNHSLSF